The following is an entry in ClinVar:

NM_006269.2(RP1):c.4965G>C (p.Gln1655His)

Genes: RP1 (RP1 axonemal microtubule associated; plus strand), LOC126860392 (CDK7 strongly-dependent group 2 enhancer GRCh37_chr8:55541319-55542518; plus strand). Cytogenetic location: 8q12.1.
Variant type: single nucleotide variant.
Coding change: c.4965G>C on transcript NM_006269.2 (MANE Select); coding-DNA position 4965, G replaced by C.
Protein change: p.Gln1655His; replaces glutamine 1655 with histidine.
Molecular consequence: missense variant. On other transcripts: intron variant (1).
Genome position (GRCh38, 1-based): chr8:54,628,847, G>C. VCF-style: chr8-54628847-G-C. GRCh37 (hg19) VCF-style: chr8-55541407-G-C.
Other names: c.787+6559G>C (NM_001375654.1); short protein forms Q1655H.
Identifiers: ClinVar variation 972311 (VCV000972311.10), dbSNP rs1806160960, ClinGen allele CA370984551.
Genomic context (GRCh38, chr8:54,628,847, plus strand): 5'-GTACGGTAAAGCAGATATTATCAAACCATCTTTTTTTCCTGGGTCTACCCGCAAATCTCA[G>C]GTTTGTCCTTATAATTCTGTGGAATTTCAGTGTTCCAGGAAAGCAAGTCTTTATGATTCT-3'
Protein context (NP_006260.1, residues 1645-1665): SFFPGSTRKS[Gln1655His]VCPYNSVEFQ

ClinVar aggregate classification (germline): Uncertain significance (1 of 4 stars; one submission).

Allele frequency attached by ClinVar (database versions not stated): gnomAD exomes below 0.00001; TOPMed 0.00001.
gnomAD v4.1: 1 of 1,613,988 alleles (0.000062%); highest among the groups gnomAD compares: East Asian, 0.0022%; no homozygotes.

Submission:

Labcorp Genetics (formerly Invitae), Labcorp
Classification: Uncertain significance. Last evaluated: 2020-02-11. Review status: criteria provided, single submitter. Criteria: Invitae Variant Classification Sherloc (09022015). Collection method: clinical testing. Allele origin: germline.
Comment: This variant is not present in population databases (ExAC no frequency). In summary, the available evidence is currently insufficient to determine the role of this variant in disease. Therefore, it has been classified as a Variant of Uncertain Significance. Algorithms developed to predict the effect of missense changes on protein structure and function are either unavailable or do not agree on the potential impact of this missense change (SIFT: "Tolerated"; PolyPhen-2: "Possibly Damaging"; Align-GVGD: "Class C0"). This variant has not been reported in the literature in individuals with RP1-related conditions. This sequence change replaces glutamine with histidine at codon 1655 of the RP1 protein (p.Gln1655His). The glutamine residue is moderately conserved and there is a small physicochemical difference between glutamine and histidine.